The following is an entry in ClinVar:

NM_001384140.1(PCDH15):c.3425dup (p.Val1143fs)

Gene: PCDH15 (protocadherin related 15; minus strand). Cytogenetic location: 10q21.1.
Variant type: Duplication.
Coding change: c.3425dup on transcript NM_001384140.1 (MANE Select); coding-DNA position 3425, one base duplicated (C; older notation c.3425dupC).
Protein change: p.Val1143fs; shifts the reading frame from valine 1143.
Molecular consequence: frameshift variant.
Genome position (GRCh38, 1-based): chr10:53,903,319, G duplicated on the plus strand (C on the coding strand, the reverse complement: PCDH15 is on the minus strand); the first of 5 consecutive G bases (chr10:53,903,319-53,903,323); duplicating any one gives the same sequence. VCF-style (leftmost placement, unchanged base first): chr10-53903318-T-TG. GRCh37 (hg19) VCF-style: chr10-55663078-T-TG.
Other names: c.3440dup, p.Val1148fs (NM_001142763.2, NM_001142771.2); c.3425dup, p.Val1143fs (NM_001142764.2, NM_001142766.2, NM_001142770.3 and 4 more transcripts); c.3212dup, p.Val1072fs (NM_001142765.2); c.3314dup, p.Val1106fs (NM_001142767.2); c.3359dup, p.Val1121fs (NM_001142768.2, NM_001142773.2, NM_001354404.2); c.3457dup, p.Val1155Serfs (NM_001142769.4); c.3446dup, p.Val1150fs (NM_001354411.2); short protein forms V1106fs, V1121fs, V1143fs, V1150fs, V1155fs, V1072fs, V1148fs.
Identifiers: ClinVar variation 1443777 (VCV001443777.6), dbSNP rs2082449528, ClinGen allele CA1910799882.
Genomic context (GRCh38, chr10:53,903,318, plus strand): 5'-AGAAGTAAACATTCTTGCATCTTCAGATACACCTCCGATGTAGAATTTTTTCTGAAACAC[T>TG]GGGGGATGATTATTTTCATCCTGAATCTCAATGTATACTTTAGCTGTATTGCCTGGAGGA-3'

ClinVar aggregate classification (germline): Pathogenic (1 of 4 stars; one submission).

Submission:

Labcorp Genetics (formerly Invitae), Labcorp
Classification: Pathogenic. Last evaluated: 2023-10-13. Review status: criteria provided, single submitter. Criteria: Invitae Variant Classification Sherloc (09022015). Collection method: clinical testing. Allele origin: germline.
Comment: This sequence change creates a premature translational stop signal (p.Val1143Serfs*13) in the PCDH15 gene. It is expected to result in an absent or disrupted protein product. Loss-of-function variants in PCDH15 are known to be pathogenic (PMID: 11398101, 11487575, 14570705). This variant is not present in population databases (gnomAD no frequency). This variant has not been reported in the literature in individuals affected with PCDH15-related conditions. ClinVar contains an entry for this variant (Variation ID: 1443777). For these reasons, this variant has been classified as Pathogenic.

Literature cited by the submitters: PubMed 11398101; PubMed 11487575; PubMed 14570705.